The following is an entry in ClinVar:

ClinVar aggregate classification (germline): Likely benign. Review status: criteria provided, multiple submitters, no conflicts (2 of 4 stars). 2 submissions from 2 submitters: Likely benign (2). Last evaluated 2020-01-22.

Conditions:
Familial melanoma. Also called: Hereditary melanoma; Hereditary cutaneous melanoma. Identifiers: Orphanet 618, MedGen C1512419, MONDO:0018961.

Submissions (2):

Labcorp Genetics (formerly Invitae), Labcorp
Classification: Likely benign for Familial melanoma. Last evaluated: 2020-01-22. Review status: criteria provided, single submitter. Criteria: Invitae Variant Classification Sherloc (09022015). Collection method: clinical testing. Allele origin: germline.

GeneDx
Classification: Likely benign. Last evaluated: 2016-10-11. Review status: criteria provided, single submitter. Criteria: GeneDx Variant Classification (06012015). Collection method: clinical testing. Allele origin: germline. Affected: yes.
Comment: This variant is considered likely benign or benign based on one or more of the following criteria: it is a conservative change, it occurs at a poorly conserved position in the protein, it is predicted to be benign by multiple in silico algorithms, and/or has population frequency not consistent with disease.

NM_000075.4(CDK4):c.6T>A (p.Ala2=)

Gene: CDK4 (cyclin dependent kinase 4; minus strand). Cytogenetic location: 12q14.1.
Variant type: single nucleotide variant.
Coding change: c.6T>A on transcript NM_000075.4 (MANE Select); coding-DNA position 6, T replaced by A.
Protein change: p.Ala2=; no amino-acid change (alanine 2 retained).
Molecular consequence: synonymous variant.
Genome position (GRCh38, 1-based): chr12:57,751,712, A>T on the plus strand (T>A on the coding strand, the complement: CDK4 is on the minus strand). VCF-style: chr12-57751712-A-T. GRCh37 (hg19) VCF-style: chr12-58145495-A-T.
Other names: c.6T>A (LRG_490t1).
Identifiers: ClinVar variation 390060 (VCV000390060.10), dbSNP rs1057523632, ClinGen allele CA16606599.